The following is an entry in ClinVar:

NM_001063.4(TF):c.1602C>T (p.Tyr534=)

Gene: TF (transferrin; plus strand). Cytogenetic location: 3q22.1.
Variant type: single nucleotide variant.
Coding change: c.1602C>T on transcript NM_001063.4 (MANE Select); coding-DNA position 1602, C replaced by T.
Protein change: p.Tyr534=; no amino-acid change (tyrosine 534 retained).
Molecular consequence: synonymous variant.
Genome position (GRCh38, 1-based): chr3:133,768,144, C>T. VCF-style: chr3-133768144-C-T. GRCh37 (hg19) VCF-style: chr3-133486988-C-T.
Other names: c.1470C>T, p.Tyr490= (NM_001354703.2); c.1221C>T, p.Tyr407= (NM_001354704.2).
Identifiers: ClinVar variation 343445 (VCV000343445.15), dbSNP rs7845, ClinGen allele CA2625337.

ClinVar aggregate classification (germline): Benign/Likely benign. Review status: criteria provided, multiple submitters, no conflicts (2 of 4 stars). 3 submissions from 3 submitters: Benign (1); Likely benign (2). Last evaluated 2026-01-28.

Conditions:
Atransferrinemia. Also called: Familial hypotransferrinemia. Identifiers: Orphanet 1195, MedGen C0521802, MONDO:0008846, OMIM 209300, HP:0012239.

Allele frequency attached by ClinVar (database versions not stated): gnomAD exomes 0.00122 and 0.00324; ExAC 0.00400; gnomAD 0.01210 and 0.01304; ESP Exome Variant Server 0.01353; TOPMed 0.01354; 1000 Genomes Project 0.01418; 1000 Genomes Project 30x 0.01530.
gnomAD v4.1: 3,722 of 1,614,114 alleles (0.23%); highest among the groups gnomAD compares: African/African-American, 4.2%; 66 homozygotes.

Submissions (3):

Labcorp Genetics (formerly Invitae), Labcorp
Classification: Benign. Last evaluated: 2026-01-28. Review status: criteria provided, single submitter. Criteria: Invitae Variant Classification Sherloc (09022015). Collection method: clinical testing. Allele origin: germline.

Illumina Laboratory Services, Illumina
Classification: Likely benign for Atransferrinemia. Last evaluated: 2017-04-27. Review status: criteria provided, single submitter. Criteria: ICSL Variant Classification Criteria 13 December 2019. Collection method: clinical testing. Allele origin: germline.
Comment: This variant was observed as part of a predisposition screen in an ostensibly healthy population. A literature search was performed for the gene, cDNA change, and amino acid change (where applicable). No publications were found based on this search. Allele frequency data from public databases allowed determination this variant is unlikely to cause disease. Therefore, this variant is classified as likely benign.

Breakthrough Genomics
Classification: Likely benign. Review status: criteria provided, single submitter. Criteria: ACMG Guidelines, 2015. Collection method: not provided. Allele origin: germline. Inheritance: Autosomal recessive inheritance. Affected: yes.